The following is an entry in ClinVar:

ClinVar aggregate classification (germline): Uncertain significance (1 of 4 stars; one submission).

Conditions:
PCNT-related disorder. Also called: PCNT-related condition.

Submission:

PreventionGenetics, part of Exact Sciences
Classification: Uncertain significance for PCNT-related condition. Last evaluated: 2025-11-02. Review status: criteria provided, single submitter. Criteria: ACMG Guidelines, 2015. Collection method: clinical testing. Allele origin: germline.
Comment: The PCNT c.4675A>G variant is predicted to result in the amino acid substitution p.Met1559Val. To our knowledge, this variant has not been reported in the literature or in a large population database (gnomAD), indicating this variant is rare. At this time, the clinical significance of this variant is uncertain due to the absence of conclusive functional and genetic evidence.

NM_006031.6(PCNT):c.4675A>G (p.Met1559Val)

Gene: PCNT (pericentrin; plus strand). Cytogenetic location: 21q22.3.
Variant type: single nucleotide variant.
Coding change: c.4675A>G on transcript NM_006031.6 (MANE Select); coding-DNA position 4675, A replaced by G.
Protein change: p.Met1559Val; replaces methionine 1559 with valine.
Molecular consequence: missense variant.
Genome position (GRCh38, 1-based): chr21:46,399,680, A>G. VCF-style: chr21-46399680-A-G. GRCh37 (hg19) VCF-style: chr21-47819594-A-G.
Other names: c.4321A>G, p.Met1441Val (NM_001315529.2); short protein forms M1559V, M1441V.
Identifiers: ClinVar variation 4991522 (VCV004991522.1).